The following is an entry in ClinVar:

ClinVar aggregate classification (germline): Uncertain significance (1 of 4 stars; one submission).

Conditions:
Inborn genetic diseases. Identifiers: MedGen C0950123, MeSH D030342.

Allele frequency attached by ClinVar (database versions not stated): gnomAD exomes below 0.00001; TOPMed 0.00001.
gnomAD v4.1: 1 of 1,614,160 alleles (0.000062%); highest among the groups gnomAD compares: Admixed American, 0.0017%; no homozygotes.

Submission:

Ambry Genetics
Classification: Uncertain significance for Inborn genetic diseases. Last evaluated: 2020-12-28. Review status: criteria provided, single submitter. Criteria: Ambry Variant Classification Scheme 2023. Collection method: clinical testing. Allele origin: germline.
Comment: The c.3673C>T (p.P1225S) alteration is located in exon 40 (coding exon 39) of the COL4A2 gene. This alteration results from a C to T substitution at nucleotide position 3673, causing the proline (P) at amino acid position 1225 to be replaced by a serine (S). The p.P1225S alteration is predicted to be tolerated by in silico analysis. Based on insufficient or conflicting evidence, the clinical significance of this alteration remains unclear.

NM_001846.4(COL4A2):c.3673C>T (p.Pro1225Ser)

Gene: COL4A2 (collagen type IV alpha 2 chain; plus strand). Cytogenetic location: 13q34.
Variant type: single nucleotide variant.
Coding change: c.3673C>T on transcript NM_001846.4 (MANE Select); coding-DNA position 3673, C replaced by T.
Protein change: p.Pro1225Ser; replaces proline 1225 with serine.
Molecular consequence: missense variant.
Genome position (GRCh38, 1-based): chr13:110,495,380, C>T. VCF-style: chr13-110495380-C-T. GRCh37 (hg19) VCF-style: chr13-111147727-C-T.
Other names: short protein forms P1225S.
Identifiers: ClinVar variation 2228304 (VCV002228304.2), dbSNP rs1883423642, ClinGen allele CA388733531.
Genomic context (GRCh38, chr13:110,495,380, plus strand): 5'-TGCTGTTATAACTCTTCCACAGGTTCTGACATCCACGGAGACCCAGGCTTCCCAGGCCCT[C>T]CTGGGGAAAGAGGTGACCCAGGAGAGGCCAACACCCTTCCAGGCCCTGTGGGAGTCCCAG-3'
Protein context (NP_001837.2, residues 1215-1235): IHGDPGFPGP[Pro1225Ser]GERGDPGEAN